The following is an entry in ClinVar:

NM_005585.5(SMAD6):c.851C>T (p.Pro284Leu)

Gene: SMAD6 (SMAD family member 6; plus strand). Cytogenetic location: 15q22.31.
Variant type: single nucleotide variant.
Coding change: c.851C>T on transcript NM_005585.5 (MANE Select); coding-DNA position 851, C replaced by T.
Protein change: p.Pro284Leu; replaces proline 284 with leucine.
Molecular consequence: missense variant. On other transcripts: non-coding transcript variant (1).
Genome position (GRCh38, 1-based): chr15:66,711,701, C>T. VCF-style: chr15-66711701-C-T. GRCh37 (hg19) VCF-style: chr15-67004039-C-T.
Other names: short protein forms P284L.
Identifiers: ClinVar variation 1416598 (VCV001416598.11), dbSNP rs150101601, ClinGen allele CA7626590.

ClinVar aggregate classification (germline): Uncertain significance. Review status: criteria provided, multiple submitters, no conflicts (2 of 4 stars). 2 submissions from 2 submitters: Uncertain significance (2). Last evaluated 2025-12-15.

Conditions:
Aortic valve disease 2 (AOVD2). Identifiers: MedGen C3542024, MONDO:0013902, OMIM 614823.
Inborn genetic diseases. Identifiers: MedGen C0950123, MeSH D030342.

Allele frequency attached by ClinVar (database versions not stated): gnomAD 0.00001; ExAC 0.00002; gnomAD exomes 0.00002 and 0.00005; TOPMed 0.00002; ESP Exome Variant Server 0.00008.
gnomAD v4.1: 72 of 1,613,498 alleles (0.0045%); highest among the groups gnomAD compares: Non-Finnish European, 0.0061%; no homozygotes.

Submissions (2):

Labcorp Genetics (formerly Invitae), Labcorp
Classification: Uncertain significance for Aortic valve disease 2. Last evaluated: 2025-12-15. Review status: criteria provided, single submitter. Criteria: Invitae Variant Classification Sherloc (09022015). Collection method: clinical testing. Allele origin: germline.
Comment: This sequence change replaces proline, which is neutral and non-polar, with leucine, which is neutral and non-polar, at codon 284 of the SMAD6 protein (p.Pro284Leu). This variant is present in population databases (rs150101601, gnomAD 0.004%). This missense change has been observed in individual(s) with SMAD6-related conditions (PMID: 40133303). ClinVar contains an entry for this variant (Variation ID: 1416598). Invitae Evidence Modeling of protein sequence and biophysical properties (such as structural, functional, and spatial information, amino acid conservation, physicochemical variation, residue mobility, and thermodynamic stability) indicates that this missense variant is not expected to disrupt SMAD6 protein function with a negative predictive value of 80%. In summary, the available evidence is currently insufficient to determine the role of this variant in disease. Therefore, it has been classified as a Variant of Uncertain Significance.

Ambry Genetics
Classification: Uncertain significance for Inborn genetic diseases. Last evaluated: 2025-05-14. Review status: criteria provided, single submitter. Criteria: Ambry Variant Classification Scheme 2023. Collection method: clinical testing. Allele origin: germline.

Literature cited by the submitters: PubMed 40133303 (cited by Labcorp Genetics (formerly Invitae), Labcorp).